The following is an entry in ClinVar:

ClinVar aggregate classification (germline): Uncertain significance (1 of 4 stars; one submission).

Allele frequency attached by ClinVar (database versions not stated): gnomAD exomes below 0.00001.
gnomAD v4.1: 1 of 1,546,652 alleles (0.000065%); highest among the groups gnomAD compares: South Asian, 0.0011%; no homozygotes.

Submission:

Labcorp Genetics (formerly Invitae), Labcorp
Classification: Uncertain significance. Last evaluated: 2023-11-28. Review status: criteria provided, single submitter. Criteria: Invitae Variant Classification Sherloc (09022015). Collection method: clinical testing. Allele origin: germline.
Comment: This sequence change replaces alanine, which is neutral and non-polar, with valine, which is neutral and non-polar, at codon 441 of the TBX20 protein (p.Ala441Val). This variant is not present in population databases (gnomAD no frequency). This variant has not been reported in the literature in individuals affected with TBX20-related conditions. An algorithm developed to predict the effect of missense changes on protein structure and function (PolyPhen-2) suggests that this variant is likely to be tolerated. In summary, the available evidence is currently insufficient to determine the role of this variant in disease. Therefore, it has been classified as a Variant of Uncertain Significance.

NM_001077653.2(TBX20):c.1322C>T (p.Ala441Val)

Gene: TBX20 (T-box transcription factor 20; minus strand). Cytogenetic location: 7p14.2.
Variant type: single nucleotide variant.
Coding change: c.1322C>T on transcript NM_001077653.2 (MANE Select); coding-DNA position 1322, C replaced by T.
Protein change: p.Ala441Val; replaces alanine 441 with valine.
Molecular consequence: missense variant.
Genome position (GRCh38, 1-based): chr7:35,202,452, G>A on the plus strand (C>T on the coding strand, the complement: TBX20 is on the minus strand). VCF-style: chr7-35202452-G-A. GRCh37 (hg19) VCF-style: chr7-35242064-G-A.
Other names: short protein forms A441V.
Identifiers: ClinVar variation 2697049 (VCV002697049.3), dbSNP rs1190702373, ClinGen allele CA367262747.
Genomic context (GRCh38, chr7:35,202,452, plus strand): 5'-GCACATTCTGGATCTGGATTCTCCCATTTTTAGAAGAGTCATACAAATGGCGTCATCACA[G>A]CAGAGGAATGGCGTAGTCCTTGAATGGCAGCATAGGGCCCCTGCTGAAAATAGTGATGGT-3'
Protein context (NP_001071121.1, residues 431-447): AAIQGLRHSS[Ala441Val]VMTPFV